The following is an entry in ClinVar:

NM_002907.4(RECQL):c.950-1G>A

Gene: RECQL (RecQ like helicase; minus strand). Cytogenetic location: 12p12.1.
Variant type: single nucleotide variant.
Coding change: c.950-1G>A on transcript NM_002907.4 (MANE Select); the canonical splice acceptor site of the intron before coding-DNA position 950, G replaced by A.
Molecular consequence: splice acceptor variant.
Genome position (GRCh38, 1-based): chr12:21,475,825, C>T on the plus strand (G>A on the coding strand, the complement: RECQL is on the minus strand). VCF-style: chr12-21475825-C-T. GRCh37 (hg19) VCF-style: chr12-21628759-C-T.
Other names: c.950-1G>A (NM_032941.3).
Identifiers: ClinVar variation 1521106 (VCV001521106.8), dbSNP rs2137341050, ClinGen allele CA384122530.

ClinVar aggregate classification (germline): Uncertain significance (1 of 4 stars; one submission).

Submission:

Labcorp Genetics (formerly Invitae), Labcorp
Classification: Uncertain significance. Last evaluated: 2021-03-29. Review status: criteria provided, single submitter. Criteria: Invitae Variant Classification Sherloc (09022015). Collection method: clinical testing. Allele origin: germline.
Comment: This variant is not present in population databases (ExAC no frequency). In summary, the available evidence is currently insufficient to determine the role of this variant in disease. Therefore, it has been classified as a Variant of Uncertain Significance. Algorithms developed to predict the effect of sequence changes on RNA splicing suggest that this variant may disrupt the consensus splice site, but this prediction has not been confirmed by published transcriptional studies. This variant has not been reported in the literature in individuals with RECQL-related conditions. This sequence change affects an acceptor splice site in intron 8 of the RECQL gene. It is expected to disrupt RNA splicing. Variants that disrupt the donor or acceptor splice site typically lead to a loss of protein function (PMID: 16199547), however the current clinical and genetic evidence is not sufficient to establish whether loss-of-function variants in RECQL cause disease.

Literature cited by the submitters: PubMed 16199547.